The following is an entry in ClinVar:

ClinVar aggregate classification (germline): Uncertain significance. Review status: reviewed by expert panel (3 of 4 stars). 2 submissions from 2 submitters: Uncertain significance (1). 1 of the submissions does not count toward it. Last evaluated 2024-07-25.

Conditions:
Hereditary thrombocytopenia and hematological cancer predisposition syndrome associated with RUNX1. Also called: Familial Platelet Disorder with Propensity to Acute Myelogenous Leukemia; Familial thrombocytopenia with propensity to acute myelogenous leukemia; PLATELET DISORDER, ASPIRIN-LIKE; RUNX1 Familial Platelet Disorder with Associated Myeloid Malignancies. Identifiers: Orphanet 71290, MedGen C1832388, MeSH C563324, MONDO:0100083, OMIM 601399.
Hereditary thrombocytopenia and hematologic cancer predisposition syndrome. Identifiers: Orphanet 71290, MedGen CN281654, MONDO:0011071.

Submissions (2):

ClinGen Myeloid Malignancy Variant Curation Expert Panel
Classification: Uncertain significance for Hereditary thrombocytopenia and hematologic cancer predisposition syndrome. Last evaluated: 2024-07-25. Review status: reviewed by expert panel. Criteria: ClinGen MyeloMalig ACMG Specifications v2. Collection method: curation. Allele origin: germline. Inheritance: Autosomal dominant inheritance.
Comment: NM_001754.5(RUNX1):c.361C>G (p.Leu121Val) is a missense variant which is completely absent from all population databases with at least 20x coverage for RUNX1 in gnomAD v2.1.1 and v3.1.2 (PM2_supporting). This missense variant has a REVEL score ≥ 0.88 (0.883) (PP3). This missense variant is located within the Runt Homology Domain (AA 89-204), but does not occur in an established hotspot residue (PM1_supporting). This variant was also reported in ClinVar in 2022 by Invitae but the affected status of the proband is unknown (Variation ID 2088789). In summary, the clinical significance of this variant is uncertain. ACMG/AMP criteria applied, as specified by the Myeloid Malignancy Variant Curation Expert Panel for RUNX1: PP3, PM1_supporting, PM2_supporting.

Labcorp Genetics (formerly Invitae), Labcorp
Classification: Uncertain significance for Hereditary thrombocytopenia and hematological cancer predisposition syndrome associated with RUNX1. Last evaluated: 2022-01-21. Review status: criteria provided, single submitter. Criteria: Invitae Variant Classification Sherloc (09022015). Collection method: clinical testing. Allele origin: germline. Not counted in ClinVar's aggregate classification.
Comment: In summary, the available evidence is currently insufficient to determine the role of this variant in disease. Therefore, it has been classified as a Variant of Uncertain Significance. This variant is not present in population databases (gnomAD no frequency). This sequence change replaces leucine, which is neutral and non-polar, with valine, which is neutral and non-polar, at codon 121 of the RUNX1 protein (p.Leu121Val). Algorithms developed to predict the effect of missense changes on protein structure and function are either unavailable or do not agree on the potential impact of this missense change (SIFT: "Deleterious"; PolyPhen-2: "Probably Damaging"; Align-GVGD: "Class C0"). This variant has not been reported in the literature in individuals affected with RUNX1-related conditions.

NM_001754.5(RUNX1):c.361C>G (p.Leu121Val)

Genes: RUNX1 (RUNX family transcription factor 1; minus strand), RUNX1-AS1 (RUNX1 antisense RNA 1; plus strand). Cytogenetic location: 21q22.12.
Variant type: single nucleotide variant.
Coding change: c.361C>G on transcript NM_001754.5 (MANE Select); coding-DNA position 361, C replaced by G.
Protein change: p.Leu121Val; replaces leucine 121 with valine.
Molecular consequence: missense variant.
Genome position (GRCh38, 1-based): chr21:34,880,704, G>C on the plus strand (C>G on the coding strand, the complement: RUNX1 is on the minus strand). VCF-style: chr21-34880704-G-C. GRCh37 (hg19) VCF-style: chr21-36253001-G-C.
Other names: NM_001754.5(RUNX1):c.361C>G; p.Leu121Val; c.280C>G, p.Leu94Val (NM_001001890.3, NM_001122607.2); short protein forms L121V, L94V.
Identifiers: ClinVar variation 2088789 (VCV002088789.5), dbSNP rs2146363846, ClinGen allele CA410202773.